The following is an entry in ClinVar:

NM_020937.4(FANCM):c.1533T>A (p.His511Gln)

Gene: FANCM (FA complementation group M; plus strand). Cytogenetic location: 14q21.2.
Variant type: single nucleotide variant.
Coding change: c.1533T>A on transcript NM_020937.4 (MANE Select); coding-DNA position 1533, T replaced by A.
Protein change: p.His511Gln; replaces histidine 511 with glutamine.
Molecular consequence: missense variant.
Genome position (GRCh38, 1-based): chr14:45,159,232, T>A. VCF-style: chr14-45159232-T-A. GRCh37 (hg19) VCF-style: chr14-45628435-T-A.
Other names: c.1455T>A, p.His485Gln (NM_001308133.2); c.1533T>A, p.His511Gln (NM_001308134.2); c.1533T>A (NM_020937.2); short protein forms H485Q, H511Q.
Identifiers: ClinVar variation 1431687 (VCV001431687.9), dbSNP rs1887408716, ClinGen allele CA389592654.

ClinVar aggregate classification (germline): Uncertain significance. Review status: criteria provided, multiple submitters, no conflicts (2 of 4 stars). 2 submissions from 2 submitters: Uncertain significance (2). Last evaluated 2026-09-06.

Conditions:
Inborn genetic diseases. Identifiers: MedGen C0950123, MeSH D030342.
Fanconi anemia (FA). Also called: Fanconi's anemia. Identifiers: Orphanet 84, MedGen C0015625, MeSH D005199, MONDO:0019391.

Allele frequency attached by ClinVar (database versions not stated): gnomAD exomes below 0.00001.
gnomAD v4.1: 1 of 1,613,946 alleles (0.000062%); highest among the groups gnomAD compares: Non-Finnish European, 0.000085%; no homozygotes.

Submissions (2):

Ambry Genetics
Classification: Uncertain significance for Inborn genetic diseases. Last evaluated: 2026-09-06. Review status: criteria provided, single submitter. Criteria: Ambry Variant Classification Scheme 2023. Collection method: clinical testing. Allele origin: germline.
Comment: The p.H511Q variant (also known as c.1533T>A), located in coding exon 9 of the FANCM gene, results from a T to A substitution at nucleotide position 1533. The histidine at codon 511 is replaced by glutamine, an amino acid with highly similar properties. This amino acid position is conserved. In addition, this alteration is predicted to be tolerated by in silico analysis. Based on the available evidence, the clinical significance of this variant remains unclear.

Labcorp Genetics (formerly Invitae), Labcorp
Classification: Uncertain significance for Fanconi anemia. Last evaluated: 2024-03-11. Review status: criteria provided, single submitter. Criteria: Invitae Variant Classification Sherloc (09022015). Collection method: clinical testing. Allele origin: germline.
Comment: This sequence change replaces histidine, which is basic and polar, with glutamine, which is neutral and polar, at codon 511 of the FANCM protein (p.His511Gln). This variant is not present in population databases (gnomAD no frequency). This variant has not been reported in the literature in individuals affected with FANCM-related conditions. ClinVar contains an entry for this variant (Variation ID: 1431687). An algorithm developed to predict the effect of missense changes on protein structure and function (PolyPhen-2) suggests that this variant is likely to be tolerated. In summary, the available evidence is currently insufficient to determine the role of this variant in disease. Therefore, it has been classified as a Variant of Uncertain Significance.